The following is an entry in ClinVar:

ClinVar aggregate classification (germline): Likely pathogenic (1 of 4 stars; one submission).

Conditions:
Hereditary spastic paraplegia 3A (SPG3A). Also called: Spastic paraplegia 3A, autosomal dominant; SPASTIC PARAPLEGIA 3, AUTOSOMAL DOMINANT; FAMILIAL SPASTIC PARAPLEGIA, AUTOSOMAL DOMINANT, 1; SPG3; STRUMPELL DISEASE; Spastic Paraplegia 3A. Identifiers: Orphanet 100984, MedGen C2931355, MONDO:0008437, OMIM 182600.

Submission:

Labcorp Genetics (formerly Invitae), Labcorp
Classification: Likely pathogenic for Hereditary spastic paraplegia 3A. Last evaluated: 2020-12-09. Review status: criteria provided, single submitter. Criteria: Invitae Variant Classification Sherloc (09022015). Collection method: clinical testing. Allele origin: germline.
Comment: This sequence change replaces leucine with phenylalanine at codon 157 of the ATL1 protein (p.Leu157Phe). The leucine residue is highly conserved and there is a small physicochemical difference between leucine and phenylalanine. This variant is not present in population databases (ExAC no frequency). This missense change has been observed in individual(s) with clinical features of autosomal dominant hereditary spastic paraplegia (Invitae). It has also been observed to segregate with disease in related individuals. Advanced modeling of protein sequence and biophysical properties (such as structural, functional, and spatial information, amino acid conservation, physicochemical variation, residue mobility, and thermodynamic stability) performed at Invitae indicates that this missense variant is not expected to disrupt ATL1 protein function. This variant disrupts the p.Leu157 amino acid residue in ATL1. Other variant(s) that disrupt this residue have been determined to be pathogenic (PMID: 16533974, 29907907). This suggests that this residue is clinically significant, and that variants that disrupt this residue are likely to be disease-causing. In summary, the currently available evidence indicates that the variant is pathogenic, but additional data are needed to prove that conclusively. Therefore, this variant has been classified as Likely Pathogenic.

Literature cited by the submitters: PubMed 16533974; PubMed 29907907.

NM_015915.5(ATL1):c.471G>T (p.Leu157Phe)

Gene: ATL1 (atlastin GTPase 1; plus strand). Cytogenetic location: 14q22.1.
Variant type: single nucleotide variant.
Coding change: c.471G>T on transcript NM_015915.5 (MANE Select); coding-DNA position 471, G replaced by T.
Protein change: p.Leu157Phe; replaces leucine 157 with phenylalanine.
Molecular consequence: missense variant.
Genome position (GRCh38, 1-based): chr14:50,591,588, G>T. VCF-style: chr14-50591588-G-T. GRCh37 (hg19) VCF-style: chr14-51058306-G-T.
Other names: c.471G>T, p.Leu157Phe (NM_001127713.1, NM_181598.4); short protein forms L157F.
Identifiers: ClinVar variation 1051919 (VCV001051919.9), dbSNP rs2140205438, ClinGen allele CA389667433.
Genomic context (GRCh38, chr14:50,591,588, plus strand): 5'-CCTGTAGGTTGCAGTGTTATTGATGGATACTCAGGGAACCTTTGATAGTCAGTCAACTTT[G>T]AGAGATTCAGCCACAGTATTTGCCCTTAGCACAATGATCAGCTCAATACAGGTATGAAAT-3'
Protein context (NP_056999.2, residues 147-167): TQGTFDSQST[Leu157Phe]RDSATVFALS